The following is an entry in ClinVar:

NM_001371279.1(REEP1):c.582C>T (p.Ser194=)

Gene: REEP1 (receptor accessory protein 1; minus strand). Cytogenetic location: 2p11.2.
Variant type: single nucleotide variant.
Coding change: c.582C>T on transcript NM_001371279.1 (MANE Select); coding-DNA position 582, C replaced by T.
Protein change: p.Ser194=; no amino-acid change (serine 194 retained).
Molecular consequence: synonymous variant. On other transcripts: missense variant (1), intron variant (1).
Genome position (GRCh38, 1-based): chr2:86,232,638, G>A on the plus strand (C>T on the coding strand, the complement: REEP1 is on the minus strand). VCF-style: chr2-86232638-G-A. GRCh37 (hg19) VCF-style: chr2-86459761-G-A.
Other names: c.603C>T, p.Ser201= (NM_001164730.2); c.501C>T, p.Ser167= (NM_001164731.2); c.347C>T, p.Ala116Val (NM_001164732.2); c.582C>T, p.Ser194= (NM_022912.3); c.418-15528C>T (NM_001371280.1); c.347C>T (NM_001164732.1); short protein forms A116V.
Identifiers: ClinVar variation 281417 (VCV000281417.27), dbSNP rs540194528, ClinGen allele CA1748688.

ClinVar aggregate classification (germline): Benign/Likely benign. Review status: criteria provided, multiple submitters, no conflicts (2 of 4 stars). 6 submissions from 6 submitters: Benign (1); Likely benign (5). Last evaluated 2026-01-10.

Conditions:
REEP1-related disorder. Also called: REEP1-related condition.
Inborn genetic diseases. Identifiers: MedGen C0950123, MeSH D030342.
Hereditary spastic paraplegia 31. Also called: SPASTIC PARAPLEGIA 31, AUTOSOMAL DOMINANT. Identifiers: Orphanet 101011, MedGen C1853247, MONDO:0012453, OMIM 610250.

Allele frequency attached by ClinVar (database versions not stated): gnomAD 0.00005 and 0.00022; TOPMed 0.00007; ExAC 0.00087; 1000 Genomes Project 30x 0.00203; 1000 Genomes Project 0.00220.
gnomAD v4.1: 500 of 1,612,852 alleles (0.031%); highest among the groups gnomAD compares: South Asian, 0.47%; 8 homozygotes.

Submissions (6):

Labcorp Genetics (formerly Invitae), Labcorp
Classification: Likely benign for Hereditary spastic paraplegia 31. Last evaluated: 2026-01-10. Review status: criteria provided, single submitter. Criteria: Invitae Variant Classification Sherloc (09022015). Collection method: clinical testing. Allele origin: germline.

CeGaT Center for Human Genetics Tuebingen
Classification: Likely benign. Last evaluated: 2025-11-01. Review status: criteria provided, single submitter. Criteria: CeGaT Center For Human Genetics Tuebingen Variant Classification Criteria Version 2. Collection method: clinical testing. Allele origin: germline. Affected: yes. Observed: 1 variant allele.
Comment: REEP1: PP3, BS2

PreventionGenetics, part of Exact Sciences
Classification: Likely benign for REEP1-related condition. Last evaluated: 2025-05-15. Review status: criteria provided, single submitter. Criteria: ACMG Guidelines, 2015. Collection method: clinical testing. Allele origin: germline.
Comment: This variant is classified as likely benign based on ACMG/AMP sequence variant interpretation guidelines (Richards et al. 2015 PMID: 25741868, with internal and published modifications).

Ambry Genetics
Classification: Likely benign for Inborn genetic diseases. Last evaluated: 2019-07-11. Review status: criteria provided, single submitter. Criteria: Ambry Variant Classification Scheme 2023. Collection method: clinical testing. Allele origin: germline.

Illumina Laboratory Services, Illumina
Classification: Benign for Hereditary spastic paraplegia 31. Last evaluated: 2018-01-13. Review status: criteria provided, single submitter. Criteria: ICSL Variant Classification Criteria 13 December 2019. Collection method: clinical testing. Allele origin: germline.
Comment: This variant was observed in the ICSL laboratory as part of a predisposition screen in an ostensibly healthy population. It had not been previously curated by ICSL or reported in the Human Gene Mutation Database (HGMD: prior to June 1st, 2018), and was therefore a candidate for classification through an automated scoring system. Utilizing variant allele frequency, disease prevalence and penetrance estimates, and inheritance mode, an automated score was calculated to assess if this variant is too frequent to cause the disease. Based on the score and internal cut-off values, a variant classified as benign is not then subjected to further curation. The score for this variant resulted in a classification of benign for this disease.

Eurofins Ntd Llc (ga)
Classification: Likely benign. Last evaluated: 2015-06-17. Review status: criteria provided, single submitter. Criteria: EGL Classification Definitions 2015. Collection method: clinical testing. Allele origin: germline. Observed: 1 variant allele, 1 heterozygote.